The following is an entry in ClinVar:

NM_004304.5(ALK):c.3882G>T (p.Lys1294Asn)

Gene: ALK (ALK receptor tyrosine kinase; minus strand). Cytogenetic location: 2p23.2.
Variant type: single nucleotide variant.
Coding change: c.3882G>T on transcript NM_004304.5 (MANE Select); coding-DNA position 3882, G replaced by T.
Protein change: p.Lys1294Asn; replaces lysine 1294 with asparagine.
Molecular consequence: missense variant.
Genome position (GRCh38, 1-based): chr2:29,207,227, C>A on the plus strand (G>T on the coding strand, the complement: ALK is on the minus strand). VCF-style: chr2-29207227-C-A. GRCh37 (hg19) VCF-style: chr2-29430093-C-A.
Other names: c.678G>T, p.Lys226Asn (NM_001353765.2); short protein forms K1294N, K226N.
Identifiers: ClinVar variation 4870359 (VCV004870359.1).

ClinVar aggregate classification (germline): Uncertain significance (1 of 4 stars; one submission).

Conditions:
Hereditary cancer-predisposing syndrome. Also called: Neoplastic Syndromes, Hereditary; Tumor predisposition; Hereditary Cancer Syndrome; Hereditary neoplastic syndrome. Identifiers: Orphanet 140162, MedGen C0027672, MeSH D009386, MONDO:0015356.

Submission:

Ambry Genetics
Classification: Uncertain significance for Hereditary cancer-predisposing syndrome. Last evaluated: 2026-05-17. Review status: criteria provided, single submitter. Criteria: Ambry Variant Classification Scheme 2023. Collection method: clinical testing. Allele origin: germline.
Comment: The p.K1294N variant (also known as c.3882G>T), located in coding exon 26 of the ALK gene, results from a G to T substitution at nucleotide position 3882. The lysine at codon 1294 is replaced by asparagine, an amino acid with similar properties. This amino acid position is conserved. In addition, this alteration is predicted to be tolerated by in silico analysis. Based on the available evidence, the clinical significance of this variant remains unclear.